The following is an entry in ClinVar:

ClinVar aggregate classification (germline): Conflicting classifications of pathogenicity. Review status: criteria provided, conflicting classifications (1 of 4 stars). 2 submissions from 2 submitters: Uncertain significance (1); Likely benign (1). Last evaluated 2024-12-16.

Conditions:
Hereditary cancer-predisposing syndrome. Also called: Neoplastic Syndromes, Hereditary; Tumor predisposition; Hereditary Cancer Syndrome; Hereditary neoplastic syndrome. Identifiers: Orphanet 140162, MedGen C0027672, MeSH D009386, MONDO:0015356.

Submissions (2):

Ambry Genetics
Classification: Likely benign for Hereditary cancer-predisposing syndrome. Last evaluated: 2024-12-16. Review status: criteria provided, single submitter. Criteria: Ambry Variant Classification Scheme 2023. Collection method: clinical testing. Allele origin: germline.

Color Diagnostics, LLC DBA Color Health
Classification: Uncertain significance for Hereditary cancer-predisposing syndrome. Last evaluated: 2020-10-13. Review status: criteria provided, single submitter. Criteria: ACMG Guidelines, 2015. Collection method: clinical testing. Allele origin: germline.
Comment: This missense variant replaces isoleucine with leucine at codon 2030 of the ATM protein. Computational prediction suggests that this variant may not impact protein structure and function (internally defined REVEL score threshold <= 0.5, PMID: 27666373). To our knowledge, functional studies have not been reported for this variant. This variant has not been reported in individuals affected with hereditary cancer in the literature. This variant has not been identified in the general population by the Genome Aggregation Database (gnomAD). The available evidence is insufficient to determine the role of this variant in disease conclusively. Therefore, this variant is classified as a Variant of Uncertain Significance.

NM_000051.4(ATM):c.6088A>C (p.Ile2030Leu)

Genes: C11orf65 (chromosome 11 open reading frame 65; minus strand), ATM (ATM serine/threonine kinase; plus strand). Cytogenetic location: 11q22.3.
Variant type: single nucleotide variant.
Coding change: c.6088A>C on transcript NM_000051.4 (MANE Select); coding-DNA position 6088, A replaced by C.
Protein change: p.Ile2030Leu; replaces isoleucine 2030 with leucine.
Molecular consequence: missense variant. On other transcripts: intron variant (2).
Genome position (GRCh38, 1-based): chr11:108,315,904, A>C. VCF-style: chr11-108315904-A-C. GRCh37 (hg19) VCF-style: chr11-108186631-A-C.
Other names: c.6088A>C, p.Ile2030Leu (NM_001351834.2); c.641-6833T>G (NM_001330368.2); c.*39-6833T>G (NM_001351110.2); short protein forms I2030L.
Identifiers: ClinVar variation 1171556 (VCV001171556.5), dbSNP rs145847315, ClinGen allele CA382550187.